The following is an entry in ClinVar:

NM_006302.3(MOGS):c.1517G>A (p.Arg506Gln)

Gene: MOGS (mannosyl-oligosaccharide glucosidase; minus strand). Cytogenetic location: 2p13.1.
Variant type: single nucleotide variant.
Coding change: c.1517G>A on transcript NM_006302.3 (MANE Select); coding-DNA position 1517, G replaced by A.
Protein change: p.Arg506Gln; replaces arginine 506 with glutamine.
Molecular consequence: missense variant.
Genome position (GRCh38, 1-based): chr2:74,462,272, C>T on the plus strand (G>A on the coding strand, the complement: MOGS is on the minus strand). VCF-style: chr2-74462272-C-T. GRCh37 (hg19) VCF-style: chr2-74689399-C-T.
Other names: c.1517G>A, p.Arg506Gln (LRG_1226t1); c.1199G>A, p.Arg400Gln (NM_001146158.2); short protein forms R506Q, R400Q.
Identifiers: ClinVar variation 1368165 (VCV001368165.8), dbSNP rs757364620, ClinGen allele CA1724773.

ClinVar aggregate classification (germline): Conflicting classifications of pathogenicity. Review status: criteria provided, conflicting classifications (1 of 4 stars). 3 submissions from 3 submitters: Uncertain significance (2); Likely benign (1). Last evaluated 2025-11-12.

Conditions:
Inborn genetic diseases. Identifiers: MedGen C0950123, MeSH D030342.
MOGS-congenital disorder of glycosylation. Also called: MOGS-CDG; GLUCOSIDASE I DEFICIENCY; CDG 2B; CDG IIb. Identifiers: Orphanet 79330, MedGen C1853736, MONDO:0011629, OMIM 606056.

Allele frequency attached by ClinVar (database versions not stated): gnomAD 0.00001; TOPMed 0.00003; gnomAD exomes 0.00006 and 0.00011; ExAC 0.00008.
gnomAD v4.1: 157 of 1,613,750 alleles (0.0097%); highest among the groups gnomAD compares: East Asian, 0.23%; no homozygotes.

Submissions (3):

Labcorp Genetics (formerly Invitae), Labcorp
Classification: Uncertain significance for MOGS-congenital disorder of glycosylation. Last evaluated: 2025-11-12. Review status: criteria provided, single submitter. Criteria: Invitae Variant Classification Sherloc (09022015). Collection method: clinical testing. Allele origin: germline.
Comment: This sequence change replaces arginine, which is basic and polar, with glutamine, which is neutral and polar, at codon 506 of the MOGS protein (p.Arg506Gln). This variant is present in population databases (rs757364620, gnomAD 0.06%). This variant has not been reported in the literature in individuals affected with MOGS-related conditions. ClinVar contains an entry for this variant (Variation ID: 1368165). Invitae Evidence Modeling of protein sequence and biophysical properties (such as structural, functional, and spatial information, amino acid conservation, physicochemical variation, residue mobility, and thermodynamic stability) indicates that this missense variant is not expected to disrupt MOGS protein function with a negative predictive value of 80%. In summary, the available evidence is currently insufficient to determine the role of this variant in disease. Therefore, it has been classified as a Variant of Uncertain Significance.

Ambry Genetics
Classification: Uncertain significance for Inborn genetic diseases. Last evaluated: 2025-07-03. Review status: criteria provided, single submitter. Criteria: Ambry Variant Classification Scheme 2023. Collection method: clinical testing. Allele origin: germline.

3billion
Classification: Likely benign for MOGS-congenital disorder of glycosylation. Last evaluated: 2024-09-20. Review status: criteria provided, single submitter. Criteria: ACMG Guidelines, 2015. Collection method: clinical testing. Allele origin: germline. Affected: no.
Comment: The homozygous variant was found in patients diagnosed with another variant in a different gene, with no symptoms related to the gene containing the homozygous variant.